The following is an entry in ClinVar:

ClinVar aggregate classification (germline): Uncertain significance. Review status: criteria provided, multiple submitters, no conflicts (2 of 4 stars). 6 submissions from 6 submitters: Uncertain significance (4). 2 of the submissions do not count toward it. Last evaluated 2024-09-12.

Conditions:
BBS12-related disorder. Also called: BBS12-related condition.
Bardet-Biedl syndrome (BBS). Identifiers: Orphanet 110, MedGen C0752166, MONDO:0015229.
Bardet-Biedl syndrome 12 (BBS12). Identifiers: Orphanet 110, MedGen C1859570, MONDO:0014440, OMIM 615989.

Allele frequency attached by ClinVar (database versions not stated): ExAC 0.00001; gnomAD exomes 0.00001 and 0.00006; gnomAD 0.00002; TOPMed 0.00002.
gnomAD v4.1: 93 of 1,607,006 alleles (0.0058%); highest among the groups gnomAD compares: Middle Eastern, 0.017%; no homozygotes.

Submissions (6):

Blueprint Genetics
Classification: Uncertain significance. Last evaluated: 2024-09-12. Review status: criteria provided, single submitter. Criteria: ACMG Guidelines, 2015. Collection method: clinical testing. Allele origin: germline.

Fulgent Genetics
Classification: Uncertain significance for Bardet-Biedl syndrome 12. Last evaluated: 2024-02-10. Review status: criteria provided, single submitter. Criteria: ACMG Guidelines, 2015. Collection method: clinical testing. Allele origin: germline.

Labcorp Genetics (formerly Invitae), Labcorp
Classification: Uncertain significance for Bardet-Biedl syndrome. Last evaluated: 2021-08-28. Review status: criteria provided, single submitter. Criteria: Invitae Variant Classification Sherloc (09022015). Collection method: clinical testing. Allele origin: germline.
Comment: This sequence change replaces arginine with histidine at codon 674 of the BBS12 protein (p.Arg674His). The arginine residue is highly conserved and there is a small physicochemical difference between arginine and histidine. This variant is present in population databases (rs766952842, ExAC no frequency). This variant has not been reported in the literature in individuals affected with BBS12-related conditions. ClinVar contains an entry for this variant (Variation ID: 195414). Algorithms developed to predict the effect of missense changes on protein structure and function (SIFT, PolyPhen-2, Align-GVGD) all suggest that this variant is likely to be disruptive. In summary, the available evidence is currently insufficient to determine the role of this variant in disease. Therefore, it has been classified as a Variant of Uncertain Significance.

Eurofins Ntd Llc (ga)
Classification: Uncertain significance. Last evaluated: 2015-01-20. Review status: criteria provided, single submitter. Criteria: EGL Classification Definitions 2015. Collection method: clinical testing. Allele origin: germline. Observed: 1 variant allele, 1 heterozygote.

PreventionGenetics, part of Exact Sciences
Classification: Uncertain significance for BBS12-related condition. Last evaluated: 2024-09-06. Review status: no assertion criteria provided. Collection method: clinical testing. Allele origin: germline. Not counted in ClinVar's aggregate classification.
Comment: The BBS12 c.2021G>A variant is predicted to result in the amino acid substitution p.Arg674His. To our knowledge, this variant has not been reported in the literature. This variant is reported in 0.0055% of alleles in individuals of East Asian descent in gnomAD. Of note, a different substitution at the same codon, defined as c.2020C>T (p.Arg674Cys), was reported in the homozygous state in an individual with Bardet-Biedl syndrome, but this patient is also homozygous for another missense variant (Billingsley et al. 2010. PubMed ID: 20472660). At this time, the clinical significance of the c.2021G>A (p.Arg674His) variant is uncertain due to the absence of conclusive functional and genetic evidence.

Natera, Inc.
Classification: Uncertain significance for Bardet-Biedl syndrome type 12. Last evaluated: 2019-10-28. Review status: no assertion criteria provided. Collection method: clinical testing. Allele origin: germline. Not counted in ClinVar's aggregate classification.

NM_152618.3(BBS12):c.2021G>A (p.Arg674His)

Gene: BBS12 (Bardet-Biedl syndrome 12; plus strand). Cytogenetic location: 4q27.
Variant type: single nucleotide variant.
Coding change: c.2021G>A on transcript NM_152618.3 (MANE Select); coding-DNA position 2021, G replaced by A.
Protein change: p.Arg674His; replaces arginine 674 with histidine.
Molecular consequence: missense variant.
Genome position (GRCh38, 1-based): chr4:122,743,913, G>A. VCF-style: chr4-122743913-G-A. GRCh37 (hg19) VCF-style: chr4-123665068-G-A.
Other names: c.2021G>A, p.Arg674His (NM_001178007.2); short protein forms R674H.
Identifiers: ClinVar variation 195414 (VCV000195414.12), dbSNP rs766952842, ClinGen allele CA241846.